The following is an entry in ClinVar:

NM_001171.6(ABCC6):c.3883-24G>A

Gene: ABCC6 (ATP binding cassette subfamily C member 6; minus strand). Cytogenetic location: 16p13.11.
Variant type: single nucleotide variant.
Coding change: c.3883-24G>A on transcript NM_001171.6 (MANE Select); 24 bases into the intron before coding-DNA position 3883, G replaced by A.
Molecular consequence: intron variant.
Genome position (GRCh38, 1-based): chr16:16,155,055, C>T on the plus strand (G>A on the coding strand, the complement: ABCC6 is on the minus strand). VCF-style: chr16-16155055-C-T. GRCh37 (hg19) VCF-style: chr16-16248912-C-T.
Other names: c.3541-24G>A (NM_001351800.1).
Identifiers: ClinVar variation 433418 (VCV000433418.31), dbSNP rs59513011, ClinGen allele CA7925387.

ClinVar aggregate classification (germline): Benign. Review status: criteria provided, multiple submitters, no conflicts (2 of 4 stars). 9 submissions from 7 submitters: Benign (5). 4 of the submissions do not count toward it. Last evaluated 2026-09-01.

Conditions:
ABCC6-related disorder. Also called: ABCC6-related condition.
Arterial calcification, generalized, of infancy, 2. Identifiers: Orphanet 51608, MedGen C3276161, MONDO:0013768, OMIM 614473.
Pseudoxanthoma elasticum, forme fruste. Also called: Pseudoxanthoma Elasticum, Incomplete; PSEUDOXANTHOMA ELASTICUM, HETEROZYGOUS. Identifiers: Orphanet 758, MedGen C1867450, MONDO:0008333, OMIM 177850.
Autosomal recessive inherited pseudoxanthoma elasticum (PXE). Identifiers: Orphanet 758, MedGen CN032334, MONDO:0009925, OMIM 264800.

Allele frequency attached by ClinVar (database versions not stated): 1000 Genomes Project 30x 0.00297; 1000 Genomes Project 0.00300; gnomAD 0.00461 and 0.00475; ESP Exome Variant Server 0.00465; TOPMed 0.00480; gnomAD exomes 0.00567 and 0.00604; ExAC 0.00892.
gnomAD v4.1: 8,710 of 1,544,704 alleles (0.56%); highest among the groups gnomAD compares: Middle Eastern, 1.6%; 62 homozygotes.

Submissions (9):

CeGaT Center for Human Genetics Tuebingen
Classification: Benign. Last evaluated: 2026-09-01. Review status: criteria provided, single submitter. Criteria: CeGaT Center For Human Genetics Tuebingen Variant Classification Criteria Version 2. Collection method: clinical testing. Allele origin: germline. Affected: yes. Observed: 18 variant alleles.
Comment: ABCC6: BS1, BS2

Genome-Nilou Lab
Classification: Benign for Arterial calcification, generalized, of infancy, 2. Last evaluated: 2021-12-05. Review status: criteria provided, single submitter. Criteria: ACMG Guidelines, 2015. Collection method: clinical testing. Allele origin: germline. Affected: no.

Genome-Nilou Lab
Classification: Benign for Autosomal recessive inherited pseudoxanthoma elasticum. Last evaluated: 2021-12-05. Review status: criteria provided, single submitter. Criteria: ACMG Guidelines, 2015. Collection method: clinical testing. Allele origin: germline. Affected: no.

Genome-Nilou Lab
Classification: Benign for Pseudoxanthoma elasticum, forme fruste. Last evaluated: 2021-12-05. Review status: criteria provided, single submitter. Criteria: ACMG Guidelines, 2015. Collection method: clinical testing. Allele origin: germline. Affected: no.

Breakthrough Genomics
Classification: Benign. Review status: criteria provided, single submitter. Criteria: ACMG Guidelines, 2015. Collection method: not provided. Allele origin: germline. Inheritance: Autosomal recessive inheritance. Affected: yes.

PXE International
Classification: Benign for Autosomal recessive inherited pseudoxanthoma elasticum. Last evaluated: 2021-03-01. Review status: no assertion criteria provided. Collection method: research. Allele origin: germline. Inheritance: Autosomal recessive inheritance. Affected: yes. Not counted in ClinVar's aggregate classification.

Reproductive Health Research and Development, BGI Genomics
Classification: Likely benign for Pseudoxanthoma elasticum. Last evaluated: 2020-01-06. Review status: no assertion criteria provided. Collection method: curation. Allele origin: germline. Not counted in ClinVar's aggregate classification.
Comment: NG_007558.2(NM_001171.5):c.3883-24G>A in the ABCC6 gene has an allele frequency of 0.014 in South Asian subpopulation in the gnomAD database. Benign computational verdict because benign prediction from DANN. The variant was identified in a pseudoxanthoma elasticum patient (PMID: 16127278). Taken together, we interprete this variant as Benign/Likely benign variant. ACMG/AMP criteria applied: BS1, BP4.

PreventionGenetics, part of Exact Sciences
Classification: Benign for ABCC6-related condition. Last evaluated: 2019-07-22. Review status: no assertion criteria provided. Collection method: clinical testing. Allele origin: germline. Not counted in ClinVar's aggregate classification.
Comment: This variant is classified as benign based on ACMG/AMP sequence variant interpretation guidelines (Richards et al. 2015 PMID: 25741868, with internal and published modifications).

Department of Pathology and Laboratory Medicine, Sinai Health System
Classification: Likely benign. Review status: no assertion criteria provided. Collection method: clinical testing. Allele origin: unknown. Affected: yes. Study: The Canadian Open Genetics Repository (COGR). Not counted in ClinVar's aggregate classification.
Comment: The ABCC6 c.3883-24G>A variant was identified in the literature in 1/81 families with pseudoxanthoma elasticum (PXE) (Miksch_2005_PMID:16086317). The variant was identified in dbSNP (ID: rs59513011) and ClinVar (classified as pathogenic by PXE International and likely benign by Reproductive Health Research and Development BGI Genomics). The variant was identified in control databases in 1003 of 178988 chromosomes (6 homozygous) at a frequency of 0.005604 increasing the likelihood this could be a low frequency benign variant (Genome Aggregation Database March 6, 2019, v2.1.1). The variant was observed in the following populations: South Asian in 310 of 22794 chromosomes (freq: 0.0136), Ashkenazi Jewish in 77 of 8704 chromosomes (freq: 0.008847), Other in 37 of 5406 chromosomes (freq: 0.006844), European (non-Finnish) in 421 of 72392 chromosomes (freq: 0.005816), Latino in 108 of 25632 chromosomes (freq: 0.004213), European (Finnish) in 35 of 14238 chromosomes (freq: 0.002458), African in 12 of 16932 chromosomes (freq: 0.000709), and East Asian in 3 of 12890 chromosomes (freq: 0.000233). The variant occurs outside of the splicing consensus sequence and in silico or computational prediction software programs (SpliceSiteFinder, MaxEntScan, NNSPLICE, GeneSplicer) do not predict a difference in splicing. In summary, based on the above information the clinical significance of this variant cannot be determined with certainty at this time although we would lean towards a more benign role for this variant. This variant is classified as likely benign.

Literature cited by the submitters: PubMed 16086317 (cited by PXE International).